The following is an entry in ClinVar:

NM_207352.4(CYP4V2):c.1573C>A (p.Arg525Ser)

Gene: CYP4V2 (cytochrome P450 family 4 subfamily V member 2; plus strand). Cytogenetic location: 4q35.2.
Variant type: single nucleotide variant.
Coding change: c.1573C>A on transcript NM_207352.4 (MANE Select); coding-DNA position 1573, C replaced by A.
Protein change: p.Arg525Ser; replaces arginine 525 with serine.
Molecular consequence: missense variant.
Genome position (GRCh38, 1-based): chr4:186,210,636, C>A. VCF-style: chr4-186210636-C-A. GRCh37 (hg19) VCF-style: chr4-187131790-C-A.
Other names: short protein forms R525S.
Identifiers: ClinVar variation 972481 (VCV000972481.9), dbSNP rs140450256, ClinGen allele CA3162896.

ClinVar aggregate classification (germline): Uncertain significance. Review status: criteria provided, multiple submitters, no conflicts (2 of 4 stars). 2 submissions from 2 submitters: Uncertain significance (2). Last evaluated 2024-08-21.

Allele frequency attached by ClinVar (database versions not stated): TOPMed 0.00013.
gnomAD v4.1: 29 of 1,613,852 alleles (0.0018%); highest among the groups gnomAD compares: African/African-American, 0.039%; no homozygotes.

Submissions (2):

Blueprint Genetics
Classification: Uncertain significance. Last evaluated: 2024-08-21. Review status: criteria provided, single submitter. Criteria: ACMG Guidelines, 2015. Collection method: clinical testing. Allele origin: germline.

Labcorp Genetics (formerly Invitae), Labcorp
Classification: Uncertain significance. Last evaluated: 2023-11-27. Review status: criteria provided, single submitter. Criteria: Invitae Variant Classification Sherloc (09022015). Collection method: clinical testing. Allele origin: germline.
Comment: This sequence change replaces arginine, which is basic and polar, with serine, which is neutral and polar, at codon 525 of the CYP4V2 protein (p.Arg525Ser). This variant is present in population databases (rs140450256, gnomAD 0.04%). This variant has not been reported in the literature in individuals affected with CYP4V2-related conditions. ClinVar contains an entry for this variant (Variation ID: 972481). Algorithms developed to predict the effect of missense changes on protein structure and function output the following: SIFT: "Not Available"; PolyPhen-2: "Benign"; Align-GVGD: "Not Available". The serine amino acid residue is found in multiple mammalian species, which suggests that this missense change does not adversely affect protein function. In summary, the available evidence is currently insufficient to determine the role of this variant in disease. Therefore, it has been classified as a Variant of Uncertain Significance.